The following is an entry in ClinVar:

NM_024675.4(PALB2):c.2749-2A>G

Gene: PALB2 (partner and localizer of BRCA2; minus strand). Cytogenetic location: 16p12.2.
Variant type: single nucleotide variant.
Coding change: c.2749-2A>G on transcript NM_024675.4 (MANE Select); the canonical splice acceptor site of the intron before coding-DNA position 2749, A replaced by G.
Molecular consequence: splice acceptor variant.
Genome position (GRCh38, 1-based): chr16:23,624,096, T>C on the plus strand (A>G on the coding strand, the complement: PALB2 is on the minus strand). VCF-style: chr16-23624096-T-C. GRCh37 (hg19) VCF-style: chr16-23635417-T-C.
Other names: c.1864-2A>G (NM_001407308.1, NM_001407306.1, NM_001407309.1 and 4 more transcripts); c.283-2A>G (NM_001407314.1); c.961-2A>G (NM_001407313.1, NM_001407312.1); c.2689-2A>G (NM_001407296.1); c.2677-2A>G (NM_001407297.1); c.2587-2A>G (NM_001407302.1, NM_001407298.1); c.2749-2A>G (NM_001407300.1, NM_001407299.1, NM_001407301.1); c.1702-2A>G (NM_001407307.1).
Identifiers: ClinVar variation 1068245 (VCV001068245.14), dbSNP rs1555459747, ClinGen allele CA395145280.
Genomic context (GRCh38, chr16:23,624,096, plus strand): 5'-AAAGCTACACACACGAGATTATACACATCAGGCACTGGAACTATCTGTAATACTGGAACC[T>C]AAATAAAACAAAGCAGCCAAAAATTATGCTTGGTTGTTTCATTTTTGTTTAATCCAGATT-3'

ClinVar aggregate classification (germline): Likely pathogenic. Review status: criteria provided, multiple submitters, no conflicts (2 of 4 stars). 2 submissions from 2 submitters: Likely pathogenic (2). Last evaluated 2025-08-04.

Conditions:
Hereditary cancer-predisposing syndrome. Also called: Hereditary neoplastic syndrome; Tumor predisposition; Hereditary Cancer Syndrome; Neoplastic Syndromes, Hereditary. Identifiers: Orphanet 140162, MedGen C0027672, MeSH D009386, MONDO:0015356.
Familial cancer of breast. Also called: hereditary breast carcinoma; BREAST CANCER, FAMILIAL; Hereditary breast cancer. Identifiers: Orphanet 227535, MedGen C0346153, MONDO:0016419, OMIM 114480. Disease mechanism: loss of function.

Submissions (2):

Ambry Genetics
Classification: Likely pathogenic for Hereditary cancer-predisposing syndrome. Last evaluated: 2025-08-04. Review status: criteria provided, single submitter. Criteria: Ambry Variant Classification Scheme 2023. Collection method: clinical testing. Allele origin: germline.
Comment: The c.2749-2A>G intronic variant results from an A to G substitution two nucleotides before coding exon 8 in the PALB2 gene. In silico splice site analysis predicts that this alteration will weaken the native splice acceptor site and may result in the creation or strengthening of a novel splice acceptor site; however, direct evidence is insufficient at this time (Ambry internal data). Alterations that disrupt the canonical splice site are expected to cause aberrant splicing, resulting in an abnormal protein or a transcript that is subject to nonsense-mediated mRNA decay. As such, this alteration is classified as likely pathogenic.

Labcorp Genetics (formerly Invitae), Labcorp
Classification: Likely pathogenic for Familial cancer of breast. Last evaluated: 2023-11-06. Review status: criteria provided, single submitter. Criteria: Invitae Variant Classification Sherloc (09022015). Collection method: clinical testing. Allele origin: germline.
Comment: This sequence change affects an acceptor splice site in intron 7 of the PALB2 gene. It is expected to disrupt RNA splicing. Variants that disrupt the donor or acceptor splice site typically lead to a loss of protein function (PMID: 16199547), and loss-of-function variants in PALB2 are known to be pathogenic (PMID: 17200668, 17200671, 17200672, 24136930, 25099575). This variant is not present in population databases (gnomAD no frequency). Disruption of this splice site has been observed in individual(s) with breast cancer (PMID: 36655350). ClinVar contains an entry for this variant (Variation ID: 1068245). Algorithms developed to predict the effect of sequence changes on RNA splicing suggest that this variant may disrupt the consensus splice site. In summary, the currently available evidence indicates that the variant is pathogenic, but additional data are needed to prove that conclusively. Therefore, this variant has been classified as Likely Pathogenic.

Literature cited by the submitters: PubMed 16199547 (cited by Labcorp Genetics (formerly Invitae), Labcorp); PubMed 17200668 (cited by Labcorp Genetics (formerly Invitae), Labcorp); PubMed 17200671 (cited by Labcorp Genetics (formerly Invitae), Labcorp); PubMed 17200672 (cited by Labcorp Genetics (formerly Invitae), Labcorp); PubMed 24136930 (cited by Labcorp Genetics (formerly Invitae), Labcorp); PubMed 25099575 (cited by Labcorp Genetics (formerly Invitae), Labcorp); PubMed 36655350 (cited by Labcorp Genetics (formerly Invitae), Labcorp).